The following is an entry in ClinVar:

ClinVar aggregate classification (germline): Conflicting classifications of pathogenicity. Review status: criteria provided, conflicting classifications (1 of 4 stars). 4 submissions from 4 submitters: Uncertain significance (3); Likely benign (1). Last evaluated 2026-01-24.

Conditions:
PLEC-related disorder. Also called: PLEC-related condition; PLEC-related disorders.
Autosomal recessive limb-girdle muscular dystrophy type 2Q (LGMDR17). Also called: MUSCULAR DYSTROPHY, LIMB-GIRDLE, AUTOSOMAL RECESSIVE 17. Identifiers: Orphanet 254361, MedGen C3150989, MONDO:0013390, OMIM 613723.
Epidermolysis bullosa simplex 5B, with muscular dystrophy (EBS5B). Also called: EPIDERMOLYSIS BULLOSA SIMPLEX AND LIMB-GIRDLE MUSCULAR DYSTROPHY; Epidermolysis bullosa simplex with muscular dystrophy. Identifiers: Orphanet 257, MedGen C2931072, MONDO:0009181, OMIM 226670.
Epidermolysis bullosa simplex, Ogna type (EBS5A). Also called: Pidermolysis bullosa simplex 5A, Ogna type; EPIDERMOLYSIS BULLOSA SIMPLEX 5A, OGNA TYPE. Identifiers: Orphanet 79401, MedGen C0432317, MONDO:0007555, OMIM 131950.
Epidermolysis bullosa simplex with nail dystrophy (EBS5D). Identifiers: MedGen C4225309, MONDO:0014661, OMIM 616487.
Epidermolysis bullosa simplex 5C, with pyloric atresia (EBS5C). Also called: PLEC-Related Epidermolysis Bullosa with Pyloric Atresia; Epidermolysis bullosa simplex with pyloric atresia; PLEC1-Related Epidermolysis Bullosa with Pyloric Atresia. Identifiers: Orphanet 158684, MedGen C2677349, MONDO:0012807, OMIM 612138.
Inborn genetic diseases. Identifiers: MedGen C0950123, MeSH D030342.

Allele frequency attached by ClinVar (database versions not stated): gnomAD 0.00002; gnomAD exomes 0.00003 and 0.00005; TOPMed 0.00003; ExAC 0.00005.
gnomAD v4.1: 42 of 1,588,154 alleles (0.0026%); highest among the groups gnomAD compares: Middle Eastern, 0.017%; no homozygotes.

Submissions (4):

Labcorp Genetics (formerly Invitae), Labcorp
Classification: Uncertain significance for Autosomal recessive limb-girdle muscular dystrophy type 2Q; Epidermolysis bullosa simplex, Ogna type; Epidermolysis bullosa simplex with nail dystrophy; Epidermolysis bullosa simplex 5C, with pyloric atresia; Epidermolysis bullosa simplex 5B, with muscular dystrophy. Last evaluated: 2026-01-24. Review status: criteria provided, single submitter. Criteria: Invitae Variant Classification Sherloc (09022015). Collection method: clinical testing. Allele origin: germline.
Comment: This sequence change replaces alanine, which is neutral and non-polar, with valine, which is neutral and non-polar, at codon 3418 of the PLEC protein (p.Ala3418Val). This variant is present in population databases (rs782323037, gnomAD 0.02%). This variant has not been reported in the literature in individuals affected with PLEC-related conditions. ClinVar contains an entry for this variant (Variation ID: 514223). Invitae Evidence Modeling of protein sequence and biophysical properties (such as structural, functional, and spatial information, amino acid conservation, physicochemical variation, residue mobility, and thermodynamic stability) has been performed for this missense variant. However, the output from this modeling did not meet the statistical confidence thresholds required to predict the impact of this variant on PLEC protein function. In summary, the available evidence is currently insufficient to determine the role of this variant in disease. Therefore, it has been classified as a Variant of Uncertain Significance.

Ambry Genetics
Classification: Uncertain significance for Inborn genetic diseases. Last evaluated: 2025-02-07. Review status: criteria provided, single submitter. Criteria: Ambry Variant Classification Scheme 2023. Collection method: clinical testing. Allele origin: germline.

PreventionGenetics, part of Exact Sciences
Classification: Uncertain significance for PLEC-related condition. Last evaluated: 2024-11-07. Review status: criteria provided, single submitter. Criteria: ACMG Guidelines, 2015. Collection method: clinical testing. Allele origin: germline.
Comment: The PLEC c.10253C>T variant is predicted to result in the amino acid substitution p.Ala3418Val. To our knowledge, this variant has not been reported in the literature. This variant is reported in 0.020% of alleles in individuals of European (Finnish) descent in gnomAD. At this time, the clinical significance of this variant is uncertain due to the absence of conclusive functional and genetic evidence.

GeneDx
Classification: Likely benign. Last evaluated: 2020-02-13. Review status: criteria provided, single submitter. Criteria: GeneDx Variant Classification Process June 2021. Collection method: clinical testing. Allele origin: germline. Affected: yes.

NM_201384.3(PLEC):c.10172C>T (p.Ala3391Val)

Gene: PLEC (plectin; minus strand). Cytogenetic location: 8q24.3.
Variant type: single nucleotide variant.
Coding change: c.10172C>T on transcript NM_201384.3 (MANE Select); coding-DNA position 10172, C replaced by T.
Protein change: p.Ala3391Val; replaces alanine 3391 with valine.
Molecular consequence: missense variant.
Genome position (GRCh38, 1-based): chr8:143,919,649, G>A on the plus strand (C>T on the coding strand, the complement: PLEC is on the minus strand). VCF-style: chr8-143919649-G-A. GRCh37 (hg19) VCF-style: chr8-144993817-G-A.
Other names: c.10253C>T, p.Ala3418Val (NM_000445.5); c.10130C>T, p.Ala3377Val (NM_201378.4); c.10106C>T, p.Ala3369Val (NM_201379.3); c.10583C>T, p.Ala3528Val (NM_201380.4); c.10076C>T, p.Ala3359Val (NM_201381.3); c.10172C>T, p.Ala3391Val (NM_201382.4); c.10184C>T, p.Ala3395Val (NM_201383.3); short protein forms A3359V, A3369V, A3377V, A3391V, A3395V, A3418V, A3528V.
Identifiers: ClinVar variation 514223 (VCV000514223.13), dbSNP rs782323037, ClinGen allele CA4924731.